The following is an entry in ClinVar:

NM_007203.5(PALM2AKAP2):c.1965T>C (p.Arg655=)

Gene: PALM2AKAP2 (PALM2 and AKAP2 fusion; plus strand). Cytogenetic location: 9q31.3.
Variant type: single nucleotide variant.
Coding change: c.1965T>C on transcript NM_007203.5 (MANE Select); coding-DNA position 1965, T replaced by C.
Protein change: p.Arg655=; no amino-acid change (arginine 655 retained).
Molecular consequence: synonymous variant.
Genome position (GRCh38, 1-based): chr9:110,137,509, T>C. VCF-style: chr9-110137509-T-C. GRCh37 (hg19) VCF-style: chr9-112899789-T-C.
Other names: c.1539T>C, p.Arg513= (NM_001004065.4, NM_001198656.1); c.1272T>C, p.Arg424= (NM_001136562.3); c.1965T>C, p.Arg655= (NM_147150.3).
Identifiers: ClinVar variation 4875139 (VCV004875139.2).
Genomic context (GRCh38, chr9:110,137,509, plus strand): 5'-AAGCCAGGGCAACACAGCCTCTCAGGGGAAGGAAGGGCCCTACAGCGAGCCTTCTAAACG[T>C]GGGCCCTTATCTAAACTGTGGGCTGAGGATGGAGAATTTACGAGCGCCCGGGCTGTCCTC-3'
Protein context (NP_009134.1, residues 645-665): KEGPYSEPSK[Arg655=]GPLSKLWAED

ClinVar aggregate classification (germline): Likely benign (1 of 4 stars; one submission).

gnomAD v4.1: 1 of 1,614,154 alleles (0.000062%); highest among the groups gnomAD compares: Non-Finnish European, 0.000085%; no homozygotes.

Submission:

CeGaT Center for Human Genetics Tuebingen
Classification: Likely benign. Last evaluated: 2026-05-01. Review status: criteria provided, single submitter. Criteria: CeGaT Center For Human Genetics Tuebingen Variant Classification Criteria Version 2. Collection method: clinical testing. Allele origin: germline. Affected: yes. Observed: 1 variant allele.
Comment: AKAP2: BP4, BP7; PALM2AKAP2: BP4, BP7